The following is an entry in ClinVar:

ClinVar aggregate classification (germline): Pathogenic/Likely pathogenic. Review status: criteria provided, multiple submitters, no conflicts (2 of 4 stars). 7 submissions from 7 submitters: Pathogenic (6); Likely pathogenic (1). Last evaluated 2025-06-27.

Conditions:
Multiple acyl-CoA dehydrogenase deficiency (MADD). Also called: Glutaric Acidemia type 2; ETHYLMALONIC-ADIPICACIDURIA; GA II; Glutaric aciduria, type 2; Glutaric acidemia type II; GA 2. Identifiers: Orphanet 26791, MedGen C0268596, MONDO:0009282, OMIM 231680.

Allele frequency attached by ClinVar (database versions not stated): gnomAD 0.00001 and 0.00004; ExAC 0.00002; gnomAD exomes 0.00002; TOPMed 0.00003; 1000 Genomes Project 30x 0.00031; 1000 Genomes Project 0.00040.

Submissions (7):

Labcorp Genetics (formerly Invitae), Labcorp
Classification: Pathogenic for Multiple acyl-CoA dehydrogenase deficiency. Last evaluated: 2025-06-27. Review status: criteria provided, single submitter. Criteria: Invitae Variant Classification Sherloc (09022015). Collection method: clinical testing. Allele origin: germline.
Comment: This sequence change replaces proline, which is neutral and non-polar, with leucine, which is neutral and non-polar, at codon 534 of the ETFDH protein (p.Pro534Leu). This variant is present in population databases (rs200920510, gnomAD 0.004%). This missense change has been observed in individual(s) with glutaric acidemia type 2 (PMID: 18289905, 21088898, 22664151). In at least one individual the data is consistent with being in trans (on the opposite chromosome) from a pathogenic variant. It has also been observed to segregate with disease in related individuals. ClinVar contains an entry for this variant (Variation ID: 418184). Invitae Evidence Modeling of protein sequence and biophysical properties (such as structural, functional, and spatial information, amino acid conservation, physicochemical variation, residue mobility, and thermodynamic stability) has been performed for this missense variant. However, the output from this modeling did not meet the statistical confidence thresholds required to predict the impact of this variant on ETFDH protein function. For these reasons, this variant has been classified as Pathogenic.

First Genomix Gene Laboratory, Genetic Diagnostics Department
Classification: Pathogenic for Multiple acyl-CoA dehydrogenase deficiency. Last evaluated: 2025-05-28. Review status: criteria provided, single submitter. Criteria: ACMG Guidelines, 2015. Collection method: clinical testing. Allele origin: germline. Inheritance: Autosomal recessive inheritance. Affected: no. Observed: 1 variant allele.

Genomic Medicine Center of Excellence, King Faisal Specialist Hospital and Research Centre
Classification: Pathogenic for Multiple acyl-CoA dehydrogenase deficiency. Last evaluated: 2024-12-18. Review status: criteria provided, single submitter. Criteria: ACMG Guidelines, 2015. Collection method: clinical testing. Allele origin: germline.

Baylor Genetics
Classification: Pathogenic for Multiple acyl-CoA dehydrogenase deficiency. Last evaluated: 2024-03-30. Review status: criteria provided, single submitter. Criteria: ACMG Guidelines, 2015. Collection method: clinical testing. Allele origin: unknown.

Fulgent Genetics
Classification: Likely pathogenic for Multiple acyl-CoA dehydrogenase deficiency. Last evaluated: 2022-01-03. Review status: criteria provided, single submitter. Criteria: ACMG Guidelines, 2015. Collection method: clinical testing. Allele origin: unknown.

GeneDx
Classification: Pathogenic. Last evaluated: 2021-12-09. Review status: criteria provided, single submitter. Criteria: GeneDx Variant Classification Process June 2021. Collection method: clinical testing. Allele origin: germline. Affected: yes.
Comment: Not observed at a significant frequency in large population cohorts (Lek et al., 2016); In silico analysis supports that this missense variant has a deleterious effect on protein structure/function; This variant is associated with the following publications: (PMID: 29581464, 30099045, 21088898, 22664151, 22995991, 27270537, 26830983, 27591119, 18289905, 30617651, 31418342, 31904027, 31589614)

Juno Genomics, Hangzhou Juno Genomics, Inc
Classification: Pathogenic for Multiple acyl-CoA dehydrogenase deficiency. Review status: criteria provided, single submitter. Criteria: ACMG Guidelines, 2015. Collection method: clinical testing. Allele origin: germline.
Comment: Absent from controls (or at extremely low frequency if recessive) in Genome Aggregation Database.;Multiple lines of computational evidence support a deleterious effect on the gene or gene product.;For recessive disorders, detected in trans with a pathogenic variant.;Patient's phenotype or family history is highly specific for a disease with a single genetic etiology.

Literature cited by the submitters: PubMed 18289905 (cited by Labcorp Genetics (formerly Invitae), Labcorp); PubMed 21088898 (cited by Labcorp Genetics (formerly Invitae), Labcorp); PubMed 22664151 (cited by Labcorp Genetics (formerly Invitae), Labcorp).

NM_004453.4(ETFDH):c.1601C>T (p.Pro534Leu)

Gene: ETFDH (electron transfer flavoprotein dehydrogenase; plus strand). Cytogenetic location: 4q32.1.
Variant type: single nucleotide variant.
Coding change: c.1601C>T on transcript NM_004453.4 (MANE Select); coding-DNA position 1601, C replaced by T.
Protein change: p.Pro534Leu; replaces proline 534 with leucine.
Molecular consequence: missense variant.
Genome position (GRCh38, 1-based): chr4:158,706,761, C>T. VCF-style: chr4-158706761-C-T. GRCh37 (hg19) VCF-style: chr4-159627913-C-T.
Other names: c.1460C>T, p.Pro487Leu (NM_001281737.2); c.1418C>T, p.Pro473Leu (NM_001281738.1); short protein forms P534L, P487L, P473L.
Identifiers: ClinVar variation 418184 (VCV000418184.22), dbSNP rs200920510, ClinGen allele CA3122669.